The following is an entry in ClinVar:

ClinVar aggregate classification (germline): Uncertain significance (1 of 4 stars; one submission).

Conditions:
Developmental and epileptic encephalopathy. Identifiers: MedGen C5779964, MONDO:0100620.

Allele frequency attached by ClinVar (database versions not stated): gnomAD 0.00001; TOPMed 0.00001.
gnomAD v4.1: 5 of 1,613,992 alleles (0.00031%); highest among the groups gnomAD compares: Non-Finnish European, 0.00042%; no homozygotes.

Submission:

Labcorp Genetics (formerly Invitae), Labcorp
Classification: Uncertain significance for Early-infantile DEE. Last evaluated: 2022-06-13. Review status: criteria provided, single submitter. Criteria: Invitae Variant Classification Sherloc (09022015). Collection method: clinical testing. Allele origin: germline.
Comment: This sequence change replaces phenylalanine, which is neutral and non-polar, with leucine, which is neutral and non-polar, at codon 123 of the ST3GAL3 protein (p.Phe123Leu). This variant is present in population databases (no rsID available, gnomAD 0.002%). This variant has not been reported in the literature in individuals affected with ST3GAL3-related conditions. ClinVar contains an entry for this variant (Variation ID: 1057155). Algorithms developed to predict the effect of missense changes on protein structure and function are either unavailable or do not agree on the potential impact of this missense change (SIFT: "Deleterious"; PolyPhen-2: "Benign"; Align-GVGD: "Class C0"). In summary, the available evidence is currently insufficient to determine the role of this variant in disease. Therefore, it has been classified as a Variant of Uncertain Significance.

NM_006279.5(ST3GAL3):c.369C>A (p.Phe123Leu)

Gene: ST3GAL3 (ST3 beta-galactoside alpha-2,3-sialyltransferase 3; plus strand). Cytogenetic location: 1p34.1.
Variant type: single nucleotide variant.
Coding change: c.369C>A on transcript NM_006279.5 (MANE Select); coding-DNA position 369, C replaced by A.
Protein change: p.Phe123Leu; replaces phenylalanine 123 with leucine.
Molecular consequence: missense variant. On other transcripts: non-coding transcript variant (8), intron variant (1).
Genome position (GRCh38, 1-based): chr1:43,894,449, C>A. VCF-style: chr1-43894449-C-A. GRCh37 (hg19) VCF-style: chr1-44360121-C-A.
Other names: c.369C>A, p.Phe123Leu (NM_001270459.2, NM_001350620.2, NM_174966.4 and 1 more transcripts); c.276C>A, p.Phe92Leu (NM_001270460.2); c.321C>A, p.Phe107Leu (NM_001270461.3, NM_001270464.3, NM_174969.4 and 1 more transcripts); c.228C>A, p.Phe76Leu (NM_001270462.3); c.366C>A, p.Phe122Leu (NM_001270463.3, NM_001270465.3); c.414C>A, p.Phe138Leu (NM_001350619.2, NM_174964.4, NM_174965.4); c.90C>A, p.Phe30Leu (NM_001350621.2); c.531C>A, p.Phe177Leu (NM_001363573.2, NM_174968.5); and 3 more; short protein forms F107L, F122L, F123L, F138L, F161L, F177L, F192L, F30L.
Identifiers: ClinVar variation 1057155 (VCV001057155.6), dbSNP rs751856791, ClinGen allele CA340269691.